The following is an entry in ClinVar:

NM_000535.7(PMS2):c.509A>G (p.His170Arg)

Gene: PMS2 (PMS1 homolog 2, mismatch repair system component; minus strand). Cytogenetic location: 7p22.1.
Variant type: single nucleotide variant.
Coding change: c.509A>G on transcript NM_000535.7 (MANE Select); coding-DNA position 509, A replaced by G.
Protein change: p.His170Arg; replaces histidine 170 with arginine.
Molecular consequence: missense variant. On other transcripts: 5 prime UTR variant (2), non-coding transcript variant (1).
Genome position (GRCh38, 1-based): chr7:6,002,481, T>C on the plus strand (A>G on the coding strand, the complement: PMS2 is on the minus strand). VCF-style: chr7-6002481-T-C. GRCh37 (hg19) VCF-style: chr7-6042112-T-C.
Other names: c.509A>G (NM_000535.6); c.104A>G, p.His35Arg (NM_001322003.2, NM_001322004.2, NM_001322005.2 and 3 more transcripts); c.509A>G, p.His170Arg (NM_001322006.2, NM_001322014.2); c.191A>G, p.His64Arg (NM_001322007.2, NM_001322008.2); c.-376A>G (NM_001322011.2, NM_001322012.2); c.200A>G, p.His67Arg (NM_001322015.2); short protein forms H170R, H67R, H35R, H64R.
Identifiers: ClinVar variation 664895 (VCV000664895.14), dbSNP rs1583402418, ClinGen allele CA366744214.

ClinVar aggregate classification (germline): Uncertain significance. Review status: criteria provided, multiple submitters, no conflicts (2 of 4 stars). 3 submissions from 3 submitters: Uncertain significance (3). Last evaluated 2023-09-27.

Conditions:
Hereditary cancer-predisposing syndrome. Also called: Tumor predisposition; Hereditary neoplastic syndrome; Neoplastic Syndromes, Hereditary; Hereditary Cancer Syndrome. Identifiers: Orphanet 140162, MedGen C0027672, MeSH D009386, MONDO:0015356.
Hereditary nonpolyposis colorectal neoplasms. Identifiers: MedGen C0009405, MeSH D003123.

Submissions (3):

Quest Diagnostics Nichols Institute San Juan Capistrano
Classification: Uncertain significance. Last evaluated: 2023-09-27. Review status: criteria provided, single submitter. Criteria: Quest Diagnostics criteria. Collection method: clinical testing. Allele origin: unknown.

Labcorp Genetics (formerly Invitae), Labcorp
Classification: Uncertain significance for Hereditary nonpolyposis colorectal neoplasms. Last evaluated: 2022-02-18. Review status: criteria provided, single submitter. Criteria: Invitae Variant Classification Sherloc (09022015). Collection method: clinical testing. Allele origin: germline.
Comment: In summary, the available evidence is currently insufficient to determine the role of this variant in disease. Therefore, it has been classified as a Variant of Uncertain Significance. RNA analysis performed to evaluate the impact of this missense change on mRNA splicing indicates it does not significantly alter splicing (Invitae). Advanced modeling of protein sequence and biophysical properties (such as structural, functional, and spatial information, amino acid conservation, physicochemical variation, residue mobility, and thermodynamic stability) performed at Invitae indicates that this missense variant is not expected to disrupt PMS2 protein function. This sequence change replaces histidine, which is basic and polar, with arginine, which is basic and polar, at codon 170 of the PMS2 protein (p.His170Arg). This variant is not present in population databases (gnomAD no frequency). This variant has not been reported in the literature in individuals affected with PMS2-related conditions. ClinVar contains an entry for this variant (Variation ID: 664895).

Ambry Genetics
Classification: Uncertain significance for Hereditary cancer-predisposing syndrome. Last evaluated: 2021-08-31. Review status: criteria provided, single submitter. Criteria: Ambry Variant Classification Scheme 2023. Collection method: clinical testing. Allele origin: germline.
Comment: The p.H170R variant (also known as c.509A>G), located in coding exon 5 of the PMS2 gene, results from an A to G substitution at nucleotide position 509. The histidine at codon 170 is replaced by arginine, an amino acid with highly similar properties. This amino acid position is highly conserved in available vertebrate species. In addition, the in silico prediction for this alteration is inconclusive. Since supporting evidence is limited at this time, the clinical significance of this alteration remains unclear.

Literature cited by the submitters: PubMed 33471991 (cited by Quest Diagnostics Nichols Institute San Juan Capistrano); PubMed 36243179 (cited by Quest Diagnostics Nichols Institute San Juan Capistrano).